The following is an entry in ClinVar:

NM_006231.4(POLE):c.2551G>C (p.Glu851Gln)

Gene: POLE (DNA polymerase epsilon, catalytic subunit; minus strand). Cytogenetic location: 12q24.33.
Variant type: single nucleotide variant.
Coding change: c.2551G>C on transcript NM_006231.4 (MANE Select); coding-DNA position 2551, G replaced by C.
Protein change: p.Glu851Gln; replaces glutamic acid 851 with glutamine.
Molecular consequence: missense variant.
Genome position (GRCh38, 1-based): chr12:132,664,380, C>G on the plus strand (G>C on the coding strand, the complement: POLE is on the minus strand). VCF-style: chr12-132664380-C-G. GRCh37 (hg19) VCF-style: chr12-133240966-C-G.
Other names: short protein forms E851Q.
Identifiers: ClinVar variation 3225422 (VCV003225422.1), dbSNP rs903152944, ClinGen allele CA387396198.

ClinVar aggregate classification (germline): Uncertain significance (1 of 4 stars; one submission).

Conditions:
Hereditary cancer-predisposing syndrome. Also called: Neoplastic Syndromes, Hereditary; Tumor predisposition; Hereditary neoplastic syndrome; Hereditary Cancer Syndrome. Identifiers: Orphanet 140162, MedGen C0027672, MeSH D009386, MONDO:0015356.

Submission:

Ambry Genetics
Classification: Uncertain significance for Hereditary cancer-predisposing syndrome. Last evaluated: 2024-02-26. Review status: criteria provided, single submitter. Criteria: Ambry Variant Classification Scheme 2023. Collection method: clinical testing. Allele origin: germline.
Comment: The p.E851Q variant (also known as c.2551G>C), located in coding exon 22 of the POLE gene, results from a G to C substitution at nucleotide position 2551. The glutamic acid at codon 851 is replaced by glutamine, an amino acid with highly similar properties. This amino acid position is conserved. In addition, the in silico prediction for this alteration is inconclusive. Based on the available evidence, the clinical significance of this alteration remains unclear.